The following is an entry in ClinVar:

NM_000435.3(NOTCH3):c.2694G>A (p.Pro898=)

Gene: NOTCH3 (notch receptor 3; minus strand). Cytogenetic location: 19p13.12.
Variant type: single nucleotide variant.
Coding change: c.2694G>A on transcript NM_000435.3 (MANE Select); coding-DNA position 2694, G replaced by A.
Protein change: p.Pro898=; no amino-acid change (proline 898 retained).
Molecular consequence: synonymous variant.
Genome position (GRCh38, 1-based): chr19:15,181,674, C>T on the plus strand (G>A on the coding strand, the complement: NOTCH3 is on the minus strand). VCF-style: chr19-15181674-C-T. GRCh37 (hg19) VCF-style: chr19-15292485-C-T.
Identifiers: ClinVar variation 2649439 (VCV002649439.24), dbSNP rs747386528, ClinGen allele CA505825208.

ClinVar aggregate classification (germline): Likely benign (1 of 4 stars; one submission).

gnomAD v4.1: 30 of 1,555,328 alleles (0.0019%); highest among the groups gnomAD compares: Non-Finnish European, 0.0025%; no homozygotes.

Submission:

CeGaT Center for Human Genetics Tuebingen
Classification: Likely benign. Last evaluated: 2022-08-01. Review status: criteria provided, single submitter. Criteria: CeGaT Center For Human Genetics Tuebingen Variant Classification Criteria Version 2. Collection method: clinical testing. Allele origin: germline. Affected: yes. Observed: 1 variant allele.
Comment: NOTCH3: BP4, BP7